The following is an entry in ClinVar:

ClinVar aggregate classification (germline): Uncertain significance (1 of 4 stars; one submission).

Submission:

GeneDx
Classification: Uncertain significance. Last evaluated: 2026-10-19. Review status: criteria provided, single submitter. Criteria: GeneDx Variant Classification Process June 2021. Collection method: clinical testing. Allele origin: germline.
Comment: Not observed at significant frequency in large population cohorts (gnomAD); In silico analysis supports that this missense variant has a deleterious effect on protein structure/function; Has not been previously published as pathogenic or benign to our knowledge

NM_005097.4(LGI1):c.1610T>G (p.Phe537Cys)

Gene: LGI1 (leucine rich glioma inactivated 1; plus strand). Cytogenetic location: 10q23.33.
Variant type: single nucleotide variant.
Coding change: c.1610T>G on transcript NM_005097.4 (MANE Select); coding-DNA position 1610, T replaced by G.
Protein change: p.Phe537Cys; replaces phenylalanine 537 with cysteine.
Molecular consequence: missense variant. On other transcripts: non-coding transcript variant (1), intron variant (1).
Genome position (GRCh38, 1-based): chr10:93,797,739, T>G. VCF-style: chr10-93797739-T-G. GRCh37 (hg19) VCF-style: chr10-95557496-T-G.
Other names: c.1466T>G, p.Phe489Cys (NM_001308276.2); c.839-10T>G (NM_001308275.2); short protein forms F489C, F537C.
Identifiers: ClinVar variation 2502589 (VCV002502589.3), dbSNP rs2492920455, ClinGen allele CA377630221.